The following is an entry in ClinVar:

ClinVar aggregate classification (germline): Uncertain significance (1 of 4 stars; one submission).

Conditions:
Noonan syndrome 9 (NS9). Identifiers: Orphanet 648, MedGen C4225282, MONDO:0014691, OMIM 616559.

Submission:

Labcorp Genetics (formerly Invitae), Labcorp
Classification: Uncertain significance for Noonan syndrome 9. Last evaluated: 2019-12-30. Review status: criteria provided, single submitter. Criteria: Invitae Variant Classification Sherloc (09022015). Collection method: clinical testing. Allele origin: germline.
Comment: Algorithms developed to predict the effect of missense changes on protein structure and function are either unavailable or do not agree on the potential impact of this missense change (SIFT: "Deleterious"; PolyPhen-2: "Possibly Damaging"; Align-GVGD: "Class C0"). This variant has not been reported in the literature in individuals with SOS2-related conditions. This variant is not present in population databases (ExAC no frequency). This sequence change replaces isoleucine with methionine at codon 1038 of the SOS2 protein (p.Ile1038Met). The isoleucine residue is highly conserved and there is a small physicochemical difference between isoleucine and methionine. In summary, the available evidence is currently insufficient to determine the role of this variant in disease. Therefore, it has been classified as a Variant of Uncertain Significance.

NM_006939.4(SOS2):c.3114A>G (p.Ile1038Met)

Gene: SOS2 (SOS Ras/Rho guanine nucleotide exchange factor 2; minus strand). Cytogenetic location: 14q21.3.
Variant type: single nucleotide variant.
Coding change: c.3114A>G on transcript NM_006939.4 (MANE Select); coding-DNA position 3114, A replaced by G.
Protein change: p.Ile1038Met; replaces isoleucine 1038 with methionine.
Molecular consequence: missense variant.
Genome position (GRCh38, 1-based): chr14:50,130,724, T>C on the plus strand (A>G on the coding strand, the complement: SOS2 is on the minus strand). VCF-style: chr14-50130724-T-C. GRCh37 (hg19) VCF-style: chr14-50597442-T-C.
Other names: short protein forms I1038M.
Identifiers: ClinVar variation 857411 (VCV000857411.10), dbSNP rs1883841371, ClinGen allele CA389640960.